The following is an entry in ClinVar:

ClinVar aggregate classification (germline): Likely benign (0 of 4 stars; one submission).

Conditions:
SMG9-related disorder. Also called: SMG9-related condition.

Allele frequency attached by ClinVar (database versions not stated): TOPMed below 0.00001; gnomAD 0.00001; gnomAD exomes 0.00001.

Submission:

PreventionGenetics, part of Exact Sciences
Classification: Likely benign for SMG9-related condition. Last evaluated: 2024-01-29. Review status: no assertion criteria provided. Collection method: clinical testing. Allele origin: germline.
Comment: This variant is classified as likely benign based on ACMG/AMP sequence variant interpretation guidelines (Richards et al. 2015 PMID: 25741868, with internal and published modifications).

NM_019108.4(SMG9):c.1464G>A (p.Thr488=)

Gene: SMG9 (SMG9 nonsense mediated mRNA decay factor; minus strand). Cytogenetic location: 19q13.31.
Variant type: single nucleotide variant.
Coding change: c.1464G>A on transcript NM_019108.4 (MANE Select); coding-DNA position 1464, G replaced by A.
Protein change: p.Thr488=; no amino-acid change (threonine 488 retained).
Molecular consequence: synonymous variant.
Genome position (GRCh38, 1-based): chr19:43,732,878, C>T on the plus strand (G>A on the coding strand, the complement: SMG9 is on the minus strand). VCF-style: chr19-43732878-C-T. GRCh37 (hg19) VCF-style: chr19-44237030-C-T.
Identifiers: ClinVar variation 3032512 (VCV003032512.2), dbSNP rs1174892147, ClinGen allele CA507738376.